The following is an entry in ClinVar:

NM_001374736.1(DST):c.4811C>T (p.Ala1604Val)

Gene: DST (dystonin; minus strand). Cytogenetic location: 6p12.1.
Variant type: single nucleotide variant.
Coding change: c.4811C>T on transcript NM_001374736.1 (MANE Select); coding-DNA position 4811, C replaced by T.
Protein change: p.Ala1604Val; replaces alanine 1604 with valine.
Molecular consequence: missense variant.
Genome position (GRCh38, 1-based): chr6:56,625,176, G>A on the plus strand (C>T on the coding strand, the complement: DST is on the minus strand). VCF-style: chr6-56625176-G-A. GRCh37 (hg19) VCF-style: chr6-56489974-G-A.
Other names: c.4712C>T, p.Ala1571Val (NM_001144769.5); c.4298C>T, p.Ala1433Val (NM_001144770.2); c.4811C>T, p.Ala1604Val (NM_001374722.1); c.4178C>T, p.Ala1393Val (NM_001374729.1, NM_001374730.1, NM_001386100.1 and 1 more transcripts); c.4838C>T, p.Ala1613Val (NM_001374734.1); c.3200C>T, p.Ala1067Val (NM_001723.7, NM_015548.5); short protein forms A1433V, A1067V, A1604V, A1613V, A1393V, A1571V.
Identifiers: ClinVar variation 2166532 (VCV002166532.4), dbSNP rs1586982591, ClinGen allele CA364572711.

ClinVar aggregate classification (germline): Uncertain significance (1 of 4 stars; one submission).

Conditions:
Hereditary sensory and autonomic neuropathy type 6. Also called: Neuropathy, hereditary sensory and autonomic, type VI; HSAN VI. Identifiers: Orphanet 314381, MedGen C3539003, MONDO:0013839, OMIM 614653.
Epidermolysis bullosa simplex 3, localized or generalized intermediate, with BP230 deficiency (EBS3). Also called: Epidermolysis bullosa simplex due to BP230 deficiency; Epidermolysis bullosa simplex, autosomal recessive 2. Identifiers: Orphanet 412181, MedGen C3809470, MONDO:0014180, OMIM 615425.

Submission:

Labcorp Genetics (formerly Invitae), Labcorp
Classification: Uncertain significance for Epidermolysis bullosa simplex 3, localized or generalized intermediate, with BP230 deficiency; Hereditary sensory and autonomic neuropathy type 6. Last evaluated: 2022-06-13. Review status: criteria provided, single submitter. Criteria: Invitae Variant Classification Sherloc (09022015). Collection method: clinical testing. Allele origin: germline.
Comment: This variant has not been reported in the literature in individuals affected with DST-related conditions. This variant is not present in population databases (gnomAD no frequency). This sequence change replaces alanine, which is neutral and non-polar, with valine, which is neutral and non-polar, at codon 1067 of the DST protein (p.Ala1067Val). Algorithms developed to predict the effect of missense changes on protein structure and function are either unavailable or do not agree on the potential impact of this missense change (SIFT: "Deleterious"; PolyPhen-2: "Possibly Damaging"; Align-GVGD: "Class C0"). In summary, the available evidence is currently insufficient to determine the role of this variant in disease. Therefore, it has been classified as a Variant of Uncertain Significance.